The following is an entry in ClinVar:

NM_147686.4(TRAF3IP2):c.969C>A (p.His323Gln)

Genes: TRAF3IP2-AS1 (TRAF3IP2 antisense RNA 1; plus strand), TRAF3IP2 (TRAF3 interacting protein 2; minus strand). Cytogenetic location: 6q21.
Variant type: single nucleotide variant.
Coding change: c.969C>A on transcript NM_147686.4 (MANE Select); coding-DNA position 969, C replaced by A.
Protein change: p.His323Gln; replaces histidine 323 with glutamine.
Molecular consequence: missense variant.
Genome position (GRCh38, 1-based): chr6:111,580,250, G>T on the plus strand (C>A on the coding strand, the complement: TRAF3IP2 is on the minus strand). VCF-style: chr6-111580250-G-T. GRCh37 (hg19) VCF-style: chr6-111901453-G-T.
Other names: c.969C>A, p.His323Gln (NM_001164281.3); c.996C>A, p.His332Gln (NM_147200.3); short protein forms H323Q, H332Q.
Identifiers: ClinVar variation 403565 (VCV000403565.20), dbSNP rs1043730, ClinGen allele CA3963219.

ClinVar aggregate classification (germline): Benign. Review status: criteria provided, multiple submitters, no conflicts (2 of 4 stars). 5 submissions from 5 submitters: Benign (5). Last evaluated 2026-02-04.

Conditions:
Candidiasis, familial, 8 (CANDF8). Identifiers: Orphanet 1334, MedGen C3714992, MONDO:0014230, OMIM 615527.

Allele frequency attached by ClinVar (database versions not stated): ExAC 0.85361; gnomAD 0.85701; TOPMed 0.85778; 1000 Genomes Project 30x 0.92958; 1000 Genomes Project 0.93171; ESP Exome Variant Server 0.83954.
gnomAD v4.1: 1,301,332 of 1,614,006 alleles (81%); highest among the groups gnomAD compares: East Asian, 100%; 528,557 homozygotes.

Submissions (5):

Labcorp Genetics (formerly Invitae), Labcorp
Classification: Benign for Candidiasis, familial, 8. Last evaluated: 2026-02-04. Review status: criteria provided, single submitter. Criteria: Invitae Variant Classification Sherloc (09022015). Collection method: clinical testing. Allele origin: germline.

Unidad de Genómica Garrahan, Hospital de Pediatría Garrahan
Classification: Benign. Last evaluated: 2024-01-24. Review status: criteria provided, single submitter. Criteria: ACMG Guidelines, 2015. Collection method: clinical testing. Allele origin: germline. Affected: no. Observed: 95 variant alleles.
Comment: This variant is classified as Benign based on local population frequency. This variant was detected in 100% of patients studied by a panel of primary immunodeficiencies. Number of patients: 95. Only high quality variants are reported.

Mayo Clinic Laboratories, Mayo Clinic
Classification: Benign. Last evaluated: 2022-09-06. Review status: criteria provided, single submitter. Criteria: ACMG Guidelines, 2015. Collection method: clinical testing. Allele origin: germline. Observed: 102 variant alleles.

Genome-Nilou Lab
Classification: Benign for Candidiasis, familial, 8. Last evaluated: 2021-09-10. Review status: criteria provided, single submitter. Criteria: ACMG Guidelines, 2015. Collection method: clinical testing. Allele origin: germline. Affected: no.

Laboratory for Molecular Medicine, Mass General Brigham Personalized Medicine
Classification: Benign. Last evaluated: 2016-03-29. Review status: criteria provided, single submitter. Criteria: LMM Criteria. Collection method: clinical testing. Allele origin: germline.
Comment: Variant identified in a genome or exome case(s) and assessed due to predicted null impact of the variant or pathogenic assertions in the literature or databases. Disclaimer: This variant has not undergone full assessment. The following are preliminary notes: Frequency